The following is an entry in ClinVar:

NM_000540.3(RYR1):c.12822C>T (p.Gly4274=)

Gene: RYR1 (ryanodine receptor 1; plus strand). Cytogenetic location: 19q13.2.
Variant type: single nucleotide variant.
Coding change: c.12822C>T on transcript NM_000540.3 (MANE Select); coding-DNA position 12822, C replaced by T.
Protein change: p.Gly4274=; no amino-acid change (glycine 4274 retained).
Molecular consequence: synonymous variant.
Genome position (GRCh38, 1-based): chr19:38,565,156, C>T. VCF-style: chr19-38565156-C-T. GRCh37 (hg19) VCF-style: chr19-39055796-C-T.
Other names: c.12807C>T, p.Gly4269= (NM_001042723.2).
Identifiers: ClinVar variation 573401 (VCV000573401.12), dbSNP rs1568582347, ClinGen allele CA507355671.

ClinVar aggregate classification (germline): Pathogenic (1 of 4 stars; one submission).

Conditions:
RYR1-related disorder. Also called: RYR1-related disorders; RYR1-related condition. Identifiers: MedGen CN239331.

Allele frequency attached by ClinVar (database versions not stated): gnomAD 0.00001; 1000 Genomes Project 30x 0.00031.

Submission:

Labcorp Genetics (formerly Invitae), Labcorp
Classification: Pathogenic for RYR1-related disorder. Last evaluated: 2023-10-03. Review status: criteria provided, single submitter. Criteria: Invitae Variant Classification Sherloc (09022015). Collection method: clinical testing. Allele origin: germline.
Comment: This sequence change affects codon 4274 of the RYR1 mRNA. It is a 'silent' change, meaning that it does not change the encoded amino acid sequence of the RYR1 protein. This variant is not present in population databases (gnomAD no frequency). This variant has been observed in individual(s) with clinical features of autosomal recessive congenital myopathy (Invitae). In at least one individual the data is consistent with being in trans (on the opposite chromosome) from a pathogenic variant. ClinVar contains an entry for this variant (Variation ID: 573401). Algorithms developed to predict the effect of sequence changes on RNA splicing suggest that this variant may create or strengthen a splice site. For these reasons, this variant has been classified as Pathogenic.